The following is an entry in ClinVar:

NM_007194.4(CHEK2):c.1374_1375inv (p.Lys458_Ala459delinsAsnSer)

Gene: CHEK2 (checkpoint kinase 2; minus strand). Cytogenetic location: 22q12.1.
Variant type: Inversion.
Coding change: c.1374_1375inv on transcript NM_007194.4 (MANE Select).
Protein change: p.Lys458_Ala459delinsAsnSer.
Molecular consequence: missense variant.
Genome position: GRCh38 VCF-style: chr22-28695127-CT-AG. GRCh37 (hg19) VCF-style: chr22-29091115-CT-AG.
Other names: c.1374_1375delinsCT (NM_007194.3); c.1503_1504invAG, p.Lys501_Ala502delinsAsnSer (NM_001005735.3); c.711_712invAG, p.Lys237_Ala238delinsAsnSer (NM_001257387.3); c.1173_1174invAG, p.Lys391_Ala392delinsAsnSer (NM_001349956.3); c.1287_1288invAG, p.Lys429_Ala430delinsAsnSer (NM_145862.3).
Identifiers: ClinVar variation 240738 (VCV000240738.21), ClinGen allele CA10583895.

ClinVar aggregate classification (germline): Conflicting classifications of pathogenicity. Review status: criteria provided, conflicting classifications (1 of 4 stars). 4 submissions from 4 submitters: Pathogenic (1); Uncertain significance (3). Last evaluated 2025-09-16.

Conditions:
Predisposition to cancer.
Hereditary cancer-predisposing syndrome. Also called: Tumor predisposition; Neoplastic Syndromes, Hereditary; Hereditary Cancer Syndrome; Hereditary neoplastic syndrome. Identifiers: Orphanet 140162, MedGen C0027672, MeSH D009386, MONDO:0015356.
Familial cancer of breast. Also called: Hereditary breast cancer; BREAST CANCER, FAMILIAL; hereditary breast carcinoma. Identifiers: Orphanet 227535, MedGen C0346153, MONDO:0016419, OMIM 114480. Disease mechanism: loss of function.

Submissions (4):

Labcorp Genetics (formerly Invitae), Labcorp
Classification: Pathogenic for Familial cancer of breast. Last evaluated: 2025-09-16. Review status: criteria provided, single submitter. Criteria: Invitae Variant Classification Sherloc (09022015). Collection method: clinical testing. Allele origin: germline.
Comment: This variant, c.1374_1375delinsCT, is a complex sequence change that results in the deletion of 2 and insertion of 2 amino acid(s) in the CHEK2 protein (p.Lys458_Ala459delinsAsnSer). RNA analysis indicates that this variant induces altered splicing and may result in an absent or altered protein product. Information on the frequency of this variant in the gnomAD database is not available, as this variant may be reported differently in the database. This variant has not been reported in the literature in individuals affected with CHEK2-related conditions. ClinVar contains an entry for this variant (Variation ID: 240738). Experimental studies and prediction algorithms are not available or were not evaluated, and the functional significance of this variant is currently unknown. Variants that disrupt the consensus splice site are a relatively common cause of aberrant splicing (PMID: 17576681, 9536098). Studies have shown that this variant results in skipping of exon 12, partial intron inclusion, and inclusion of a cryptic exon, and produces a non-functional protein and/or introduces a premature termination codon (internal data). For these reasons, this variant has been classified as Pathogenic.

Ambry Genetics
Classification: Uncertain significance for Hereditary cancer-predisposing syndrome. Last evaluated: 2024-01-16. Review status: criteria provided, single submitter. Criteria: Ambry Variant Classification Scheme 2023. Collection method: clinical testing. Allele origin: germline.
Comment: The c.1374_1375delAGinsCT variant (also known as p.K458_A459delinsNS), located in coding exon 11 of the CHEK2 gene, results from an in-frame deletion of AG and insertion of CT at nucleotide positions 1374 to 1375. This results in the deletion of 2 amino acids (KA) and the insertion of 2 amino acids (NS) at codons 458 and 459. However, this change occurs in the final two base pairs of coding exon 11, which makes it likely to have some effect on normal mRNA splicing. In silico splice site analysis predicts that this alteration will weaken the native splice donor site. RNA studies have demonstrated that this alteration results in an incomplete splice defect; the clinical impact of this abnormal splicing is unknown at this time (Ambry internal data). RNA studies have shown that the c.1375G>T alteration alone results in a transcript that skips coding exon 11, but the impact was shown to be incomplete (Rofes P et al. J Mol Diagn, 2020 12;22:1453-1468). These nucleotide positions are highly conserved in available vertebrate species. In addition, the in silico prediction for this alteration is inconclusive (Choi Y et al. PLoS ONE. 2012; 7(10):e46688). Since supporting evidence is limited at this time, the clinical significance of this alteration remains unclear.

GeneDx
Classification: Uncertain significance. Last evaluated: 2023-01-25. Review status: criteria provided, single submitter. Criteria: GeneDx Variant Classification Process June 2021. Collection method: clinical testing. Allele origin: germline. Affected: yes.
Comment: Not observed in large population cohorts (gnomAD); In silico analysis supports a deleterious effect on protein structure/function; In silico analysis supports a deleterious effect on splicing; Has not been previously published as pathogenic or benign to our knowledge; This variant is associated with the following publications: (PMID: 22419737, 19782031)

St. Jude Molecular Pathology, St. Jude Children's Research Hospital
Classification: Uncertain significance for Predisposition to cancer. Last evaluated: 2021-10-28. Review status: criteria provided, single submitter. Criteria: St. Jude Assertion Criteria 2020. Collection method: clinical testing. Allele origin: germline.
Comment: The CHEK2 c.1374_1375delinsCT (p.Lys458_Ala459delinsAsnSer) change replaces two nucleotides at position 1374-1375 with two new nucleotides resulting in an in-frame substitution of two amino acids at codons 458 and 459 in exon 12. The affected nucleotides are part of the exon 12 consensus splice site. This change is absent in gnomAD v2.1.1 (PM2_supporting). In silico tools that predict the impact of sequence changes on splicing indicate that this change may create or strengthen a splice site (PP3), but this prediction has not been confirmed by RNA studies. A different change at codon 459 that replaces the alanine residue with a proline residue results in skipping of exon 12 (PMID: 33011440). This variant is absent in a database of women older than 70 years of age who have never had cancer (FLOSSIES). To our knowledge, this change has not been reported in individuals with CHEK2-associated cancers. In summary, this variant meets criteria to be classified as of uncertain significance based on the ACMG/AMP criteria: PM2_supporting, PP3.

Literature cited by the submitters: PubMed 17576681 (cited by Labcorp Genetics (formerly Invitae), Labcorp); PubMed 9536098 (cited by Labcorp Genetics (formerly Invitae), Labcorp); PubMed 33011440 (cited by Ambry Genetics).